The following is an entry in ClinVar:

ClinVar aggregate classification (germline): Uncertain significance (1 of 4 stars; one submission).

Conditions:
Primary ciliary dyskinesia. Also called: Ciliary dyskinesia. Identifiers: Orphanet 244, MedGen C0008780, MONDO:0016575, HP:0012265.

Submission:

Labcorp Genetics (formerly Invitae), Labcorp
Classification: Uncertain significance for Primary ciliary dyskinesia. Last evaluated: 2023-03-10. Review status: criteria provided, single submitter. Criteria: Invitae Variant Classification Sherloc (09022015). Collection method: clinical testing. Allele origin: germline.
Comment: This sequence change falls in intron 81 of the DNAH11 gene. It does not directly change the encoded amino acid sequence of the DNAH11 protein. This variant is not present in population databases (gnomAD no frequency). This variant has not been reported in the literature in individuals affected with DNAH11-related conditions. Algorithms developed to predict the effect of sequence changes on RNA splicing suggest that this variant may create or strengthen a splice site. In summary, the available evidence is currently insufficient to determine the role of this variant in disease. Therefore, it has been classified as a Variant of Uncertain Significance.

NM_001277115.2(DNAH11):c.13303+3_13303+6dup

Gene: DNAH11 (dynein axonemal heavy chain 11; plus strand). Cytogenetic location: 7p15.3.
Variant type: Duplication.
Coding change: c.13303+3_13303+6dup on transcript NM_001277115.2 (MANE Select); bases 3 to 6 of the intron after coding-DNA position 13303, 4 bases duplicated (AAGA; older notation c.13303+3_13303+6dupAAGA).
Molecular consequence: intron variant.
Genome position (GRCh38, 1-based): chr7:21,900,123-21,900,126, AAGA duplicated. VCF-style (leftmost placement, unchanged base first): chr7-21900122-T-TAAGA. GRCh37 (hg19) VCF-style: chr7-21939740-T-TAAGA.
Identifiers: ClinVar variation 2799380 (VCV002799380.3), dbSNP rs2534155156, ClinGen allele CA2578844064.
Genomic context (GRCh38, chr7:21,900,122, plus strand): 5'-GGAAGATTATGGACACCCGCCAAGGGAAGGTGCATACCTCCACGGACTCTTCATGGAGGG[T>TAAGA]AAGACACCCCAAGGGGTAAGTGGGGAACCTTTTCTTACTCAGGTTCAGATCAGTGTTTGT-3'